The following is an entry in ClinVar:

ClinVar aggregate classification (germline): Uncertain significance. Review status: criteria provided, multiple submitters, no conflicts (2 of 4 stars). 2 submissions from 2 submitters: Uncertain significance (2). Last evaluated 2023-09-04.

Allele frequency attached by ClinVar (database versions not stated): gnomAD exomes below 0.00001; TOPMed below 0.00001.
gnomAD v4.1: 1 of 1,614,138 alleles (0.000062%); highest among the groups gnomAD compares: Non-Finnish European, 0.000085%; no homozygotes.

Submissions (2):

Labcorp Genetics (formerly Invitae), Labcorp
Classification: Uncertain significance. Last evaluated: 2023-09-04. Review status: criteria provided, single submitter. Criteria: Invitae Variant Classification Sherloc (09022015). Collection method: clinical testing. Allele origin: germline.
Comment: In summary, the available evidence is currently insufficient to determine the role of this variant in disease. Therefore, it has been classified as a Variant of Uncertain Significance. Algorithms developed to predict the effect of missense changes on protein structure and function output the following: SIFT: "Not Available"; PolyPhen-2: "Benign"; Align-GVGD: "Not Available". The glutamic acid amino acid residue is found in multiple mammalian species, which suggests that this missense change does not adversely affect protein function. This variant has not been reported in the literature in individuals affected with NLRP1-related conditions. This variant is not present in population databases (gnomAD no frequency). This sequence change replaces glycine, which is neutral and non-polar, with glutamic acid, which is acidic and polar, at codon 127 of the NLRP1 protein (p.Gly127Glu).

CeGaT Center for Human Genetics Tuebingen
Classification: Uncertain significance. Last evaluated: 2022-04-01. Review status: criteria provided, single submitter. Criteria: CeGaT Center For Human Genetics Tuebingen Variant Classification Criteria Version 2. Collection method: clinical testing. Allele origin: germline. Affected: yes. Observed: 1 variant allele.
Comment: NLRP1: PM2, BP4

NM_033004.4(NLRP1):c.380G>A (p.Gly127Glu)

Gene: NLRP1 (NLR family pyrin domain containing 1; minus strand). Cytogenetic location: 17p13.2.
Variant type: single nucleotide variant.
Coding change: c.380G>A on transcript NM_033004.4 (MANE Select); coding-DNA position 380, G replaced by A.
Protein change: p.Gly127Glu; replaces glycine 127 with glutamic acid.
Molecular consequence: missense variant.
Genome position (GRCh38, 1-based): chr17:5,582,738, C>T on the plus strand (G>A on the coding strand, the complement: NLRP1 is on the minus strand). VCF-style: chr17-5582738-C-T. GRCh37 (hg19) VCF-style: chr17-5486058-C-T.
Other names: c.380G>A, p.Gly127Glu (NM_001033053.3, NM_014922.5, NM_033006.4 and 1 more transcripts); short protein forms G127E.
Identifiers: ClinVar variation 2647305 (VCV002647305.27), dbSNP rs1905822749, ClinGen allele CA397390102.